The following is an entry in ClinVar:

NM_001129891.3(INSYN2B):c.1089C>T (p.Thr363=)

Genes: DOCK2 (dedicator of cytokinesis 2; plus strand), INSYN2B (inhibitory synaptic factor family member 2B; minus strand). Cytogenetic location: 5q35.1.
Variant type: single nucleotide variant.
Coding change: c.1089C>T on transcript NM_001129891.3 (MANE Select); coding-DNA position 1089, C replaced by T.
Protein change: p.Thr363=; no amino-acid change (threonine 363 retained).
Molecular consequence: synonymous variant. On other transcripts: intron variant (1).
Genome position (GRCh38, 1-based): chr5:169,882,810, G>A on the plus strand (C>T on the coding strand, the complement: INSYN2B is on the minus strand). VCF-style: chr5-169882810-G-A. GRCh37 (hg19) VCF-style: chr5-169309814-G-A.
Other names: c.1089C>T, p.Thr363= (NM_001346304.2); c.2799+41958G>A (NM_004946.3).
Identifiers: ClinVar variation 772874 (VCV000772874.27), dbSNP rs115307165, ClinGen allele CA3553910.

ClinVar aggregate classification (germline): Benign/Likely benign. Review status: criteria provided, multiple submitters, no conflicts (2 of 4 stars). 2 submissions from 2 submitters: Benign (1); Likely benign (1). Last evaluated 2026-06-01.

Allele frequency attached by ClinVar (database versions not stated): gnomAD 0.00200 and 0.00230; 1000 Genomes Project 0.00220; 1000 Genomes Project 30x 0.00234; TOPMed 0.00246; gnomAD exomes 0.00470; ExAC 0.00902.
gnomAD v4.1: 3,704 of 1,551,368 alleles (0.24%); highest among the groups gnomAD compares: South Asian, 0.87%; 37 homozygotes.

Submissions (2):

CeGaT Center for Human Genetics Tuebingen
Classification: Likely benign. Last evaluated: 2026-06-01. Review status: criteria provided, single submitter. Criteria: CeGaT Center For Human Genetics Tuebingen Variant Classification Criteria Version 2. Collection method: clinical testing. Allele origin: germline. Affected: yes. Observed: 3 variant alleles.
Comment: INSYN2B: BP4, BP7, BS2

Labcorp Genetics (formerly Invitae), Labcorp
Classification: Benign. Last evaluated: 2018-07-10. Review status: criteria provided, single submitter. Criteria: Invitae Variant Classification Sherloc (09022015). Collection method: clinical testing. Allele origin: germline.